The following is an entry in ClinVar:

NM_004656.4(BAP1):c.255+5G>C

Gene: BAP1 (BRCA1 associated deubiquitinase 1; minus strand). Cytogenetic location: 3p21.1.
Variant type: single nucleotide variant.
Coding change: c.255+5G>C on transcript NM_004656.4 (MANE Select); 5 bases into the intron after coding-DNA position 255, G replaced by C.
Molecular consequence: intron variant.
Genome position (GRCh38, 1-based): chr3:52,408,469, C>G on the plus strand (G>C on the coding strand, the complement: BAP1 is on the minus strand). VCF-style: chr3-52408469-C-G. GRCh37 (hg19) VCF-style: chr3-52442485-C-G.
Identifiers: ClinVar variation 1983446 (VCV001983446.4), dbSNP rs2153228270, ClinGen allele CA2580070309.

ClinVar aggregate classification (germline): Uncertain significance (1 of 4 stars; one submission).

Conditions:
BAP1-related tumor predisposition syndrome (TPDS1). Also called: Tumor susceptibility linked to germline BAP1 mutations; BAP1 tumor predisposition syndrome; COMMON Syndrome; TUMOR PREDISPOSITION SYNDROME 1. Identifiers: Orphanet 289539, MedGen C3280492, MONDO:0013692, OMIM 614327.

Submission:

Labcorp Genetics (formerly Invitae), Labcorp
Classification: Uncertain significance for BAP1-related tumor predisposition syndrome. Last evaluated: 2021-12-25. Review status: criteria provided, single submitter. Criteria: Invitae Variant Classification Sherloc (09022015). Collection method: clinical testing. Allele origin: germline.
Comment: In summary, the available evidence is currently insufficient to determine the role of this variant in disease. Therefore, it has been classified as a Variant of Uncertain Significance. Variants that disrupt the consensus splice site are a relatively common cause of aberrant splicing (PMID: 17576681, 9536098). Algorithms developed to predict the effect of sequence changes on RNA splicing suggest that this variant may disrupt the consensus splice site. This variant has not been reported in the literature in individuals affected with BAP1-related conditions. This variant is not present in population databases (gnomAD no frequency). This sequence change falls in intron 4 of the BAP1 gene. It does not directly change the encoded amino acid sequence of the BAP1 protein. It affects a nucleotide within the consensus splice site.

Literature cited by the submitters: PubMed 17576681; PubMed 9536098.